The following is an entry in ClinVar:

NM_000238.4(KCNH2):c.1904A>T (p.Asn635Ile)

Gene: KCNH2 (potassium voltage-gated channel subfamily H member 2; minus strand). Cytogenetic location: 7q36.1.
Variant type: single nucleotide variant.
Coding change: c.1904A>T on transcript NM_000238.4 (MANE Select); coding-DNA position 1904, A replaced by T.
Protein change: p.Asn635Ile; replaces asparagine 635 with isoleucine.
Molecular consequence: missense variant.
Genome position (GRCh38, 1-based): chr7:150,951,489, T>A on the plus strand (A>T on the coding strand, the complement: KCNH2 is on the minus strand). VCF-style: chr7-150951489-T-A. GRCh37 (hg19) VCF-style: chr7-150648577-T-A.
Other names: c.1904A>T (LRG_288t1); c.884A>T, p.Asn295Ile (NM_001204798.2, NM_172057.3); c.1616A>T, p.Asn539Ile (NM_001406753.1, NM_001406756.1); c.1727A>T, p.Asn576Ile (NM_001406755.1); c.1604A>T, p.Asn535Ile (NM_001406757.1); c.1904A>T, p.Asn635Ile (NM_172056.3); short protein forms N295I, N635I, N576I, N539I, N535I.
Identifiers: ClinVar variation 67327 (VCV000067327.12), dbSNP rs199472964, ClinGen allele CA005941.

ClinVar aggregate classification (germline): Conflicting classifications of pathogenicity. Review status: criteria provided, conflicting classifications (1 of 4 stars). 3 submissions from 3 submitters: Likely pathogenic (1); Uncertain significance (1). 1 of the submissions does not count toward it. Last evaluated 2025-08-18.

Conditions:
Cardiovascular phenotype. Identifiers: MedGen CN230736.
Familial long QT syndrome (RWS). Also called: Congenital long QT syndrome; Romano-Ward syndrome; VENTRICULAR FIBRILLATION WITH PROLONGED QT INTERVAL. Identifiers: Orphanet 768, MedGen C1141890, MONDO:0019171.
Long QT syndrome (LQTS). Identifiers: MedGen C0023976, MeSH D008133, MONDO:0002442. Disease mechanism: loss of function. Inheritance: Various modes of inheritance.

Submissions (3):

Labcorp Genetics (formerly Invitae), Labcorp
Classification: Uncertain significance for Long QT syndrome. Last evaluated: 2025-08-18. Review status: criteria provided, single submitter. Criteria: Invitae Variant Classification Sherloc (09022015). Collection method: clinical testing. Allele origin: germline.
Comment: This sequence change replaces asparagine, which is neutral and polar, with isoleucine, which is neutral and non-polar, at codon 635 of the KCNH2 protein (p.Asn635Ile). This variant is not present in population databases (gnomAD no frequency). This missense change has been observed in individual(s) with clinical features of long QT syndrome (PMID: 15840476). ClinVar contains an entry for this variant (Variation ID: 67327). An algorithm developed to predict the effect of missense changes on protein structure and function (PolyPhen-2) suggests that this variant is likely to be disruptive. Experimental studies have shown that this missense change affects KCNH2 function (PMID: 25417810). In summary, the available evidence is currently insufficient to determine the role of this variant in disease. Therefore, it has been classified as a Variant of Uncertain Significance.

Ambry Genetics
Classification: Likely pathogenic for Cardiovascular phenotype. Last evaluated: 2024-08-15. Review status: criteria provided, single submitter. Criteria: Ambry Variant Classification Scheme 2023. Collection method: clinical testing. Allele origin: germline.
Comment: The p.N635I variant (also known as c.1904A>T), located in coding exon 7 of the KCNH2 gene, results from an A to T substitution at nucleotide position 1904. The asparagine at codon 635 is replaced by isoleucine, an amino acid with dissimilar properties. This variant has been detected in individuals and cohorts with features consistent with long QT syndrome (Tester DJ, Heart Rhythm 2005 May;2(5):507-17, Ambry internal data). One study reported this alteration may impact protein trafficking; however, details were limited (Anderson CL, Nat Commun 2014 Nov;5:5535). In addition, based on internal structural analysis, this variant is predicted to be disruptive (Fabrichny IP et al. Neuron 2007 Dec;56(6):979-91, Ambry internal data). This amino acid position is highly conserved in available vertebrate species. In addition, this alteration is predicted to be deleterious by in silico analysis. This variant is considered to be rare based on population cohorts in the Genome Aggregation Database (gnomAD). Based on the majority of available evidence to date, this variant is likely to be pathogenic.

Cardiovascular Biomedical Research Unit, Royal Brompton & Harefield NHS Foundation Trust
No classification provided. Condition: Familial long QT syndrome. Review status: no classification provided. Collection method: literature only. Allele origin: germline. Not counted in ClinVar's aggregate classification.
Comment: This variant has been reported as associated with Long QT syndrome in the following publications (PMID:15840476). This is a literature report, and does not necessarily reflect the clinical interpretation of the Imperial College / Royal Brompton Cardiovascular Genetics laboratory.

Literature cited by the submitters: PubMed 15840476 (cited by 3 submitters); PubMed 25417810 (cited by Labcorp Genetics (formerly Invitae), Labcorp and Ambry Genetics); PubMed 18093521 (cited by Ambry Genetics); PubMed 22581653 (cited by Cardiovascular Biomedical Research Unit, Royal Brompton & Harefield NHS Foundation Trust).